The following is an entry in ClinVar:

ClinVar aggregate classification (germline): Pathogenic/Likely pathogenic. Review status: criteria provided, multiple submitters, no conflicts (2 of 4 stars). 2 submissions from 2 submitters: Pathogenic (1); Likely pathogenic (1). Last evaluated 2025-03-24.

Conditions:
Kabuki syndrome 1 (KABUK1). Also called: KMT2D-Related Kabuki Syndrome. Identifiers: Orphanet 2322, MedGen CN030661, MONDO:0007843, OMIM 147920.

Submissions (2):

GeneDx
Classification: Pathogenic. Last evaluated: 2025-03-24. Review status: criteria provided, single submitter. Criteria: GeneDx Variant Classification Process June 2021. Collection method: clinical testing. Allele origin: germline. Affected: yes.
Comment: Not observed at significant frequency in large population cohorts (gnomAD); In silico analysis suggests this variant may impact gene splicing. In the absence of RNA/functional studies, the actual effect of this sequence change is unknown.; In silico analysis indicates that this missense variant does not alter protein structure/function; This variant is associated with the following publications: (PMID: 38528056)

Tartaglia Lab, Genetics and Rare Diseases Research Division, Bambino Gesu' Children's Hospital
Classification: Likely pathogenic for Kabuki syndrome 1. Last evaluated: 2023-12-31. Review status: criteria provided, single submitter. Criteria: ACMG Guidelines, 2015. Collection method: research. Allele origin: de novo. Affected: yes.

NM_003482.4(KMT2D):c.13622A>G (p.Lys4541Arg)

Gene: KMT2D (lysine methyltransferase 2D; minus strand). Cytogenetic location: 12q13.12.
Variant type: single nucleotide variant.
Coding change: c.13622A>G on transcript NM_003482.4 (MANE Select); coding-DNA position 13622, A replaced by G.
Protein change: p.Lys4541Arg; replaces lysine 4541 with arginine.
Molecular consequence: missense variant.
Genome position (GRCh38, 1-based): chr12:49,030,942, T>C on the plus strand (A>G on the coding strand, the complement: KMT2D is on the minus strand). VCF-style: chr12-49030942-T-C. GRCh37 (hg19) VCF-style: chr12-49424725-T-C.
Other names: short protein forms K4541R.
Identifiers: ClinVar variation 2687906 (VCV002687906.2), dbSNP rs2120411901.